The following is an entry in ClinVar:

ClinVar aggregate classification (germline): Conflicting classifications of pathogenicity. Review status: criteria provided, conflicting classifications (1 of 4 stars). 7 submissions from 6 submitters: Uncertain significance (1); Benign (1); Likely benign (4). 1 of the submissions does not count toward it. Last evaluated 2026-01-23.

Conditions:
Supravalvar aortic stenosis (SVAS). Also called: Supravalvar aortic stenosis, Eisenberg type. Identifiers: Orphanet 3193, MedGen C0003499, MONDO:0008504, OMIM 185500, HP:0004381.
Cutis laxa, autosomal dominant 1 (ADCL1). Also called: ELN-Related Cutis Laxa. Identifiers: Orphanet 90348, MedGen C3276539, MONDO:0007411, OMIM 123700. Disease mechanism: Dominant Negative.
ELN-related disorder.

Allele frequency attached by ClinVar (database versions not stated): gnomAD 0.00018 and 0.00020; TOPMed 0.00021; ExAC 0.00023; gnomAD exomes 0.00027 and 0.00044; ESP Exome Variant Server 0.00046.
gnomAD v4.1: 661 of 1,610,922 alleles (0.041%); highest among the groups gnomAD compares: Non-Finnish European, 0.054%; no homozygotes.

Submissions (8):

Labcorp Genetics (formerly Invitae), Labcorp
Classification: Likely benign for Supravalvar aortic stenosis. Last evaluated: 2026-01-23. Review status: criteria provided, single submitter. Criteria: Invitae Variant Classification Sherloc (09022015). Collection method: clinical testing. Allele origin: germline.

CeGaT Center for Human Genetics Tuebingen
Classification: Likely benign. Last evaluated: 2024-10-01. Review status: criteria provided, single submitter. Criteria: CeGaT Center For Human Genetics Tuebingen Variant Classification Criteria Version 2. Collection method: clinical testing. Allele origin: germline. Affected: yes. Observed: 1 variant allele.
Comment: ELN: BS1

Blueprint Genetics
Classification: Likely benign. Last evaluated: 2024-03-11. Review status: criteria provided, single submitter. Criteria: ACMG Guidelines, 2015. Collection method: clinical testing. Allele origin: germline.

GeneDx
Classification: Uncertain significance. Last evaluated: 2023-06-14. Review status: criteria provided, single submitter. Criteria: GeneDx Variant Classification Process June 2021. Collection method: clinical testing. Allele origin: germline. Affected: yes.
Comment: Has not been previously published as pathogenic or benign to our knowledge; In silico analysis is inconclusive as to whether the variant alters gene splicing. In the absence of RNA/functional studies, the actual effect of this sequence change is unknown.

Illumina Laboratory Services, Illumina
Classification: Benign for Cutis laxa, autosomal dominant 1. Last evaluated: 2018-01-13. Review status: criteria provided, single submitter. Criteria: ICSL Variant Classification Criteria 13 December 2019. Collection method: clinical testing. Allele origin: germline.
Comment: This variant was observed in the ICSL laboratory as part of a predisposition screen in an ostensibly healthy population. It had not been previously curated by ICSL or reported in the Human Gene Mutation Database (HGMD: prior to June 1st, 2018), and was therefore a candidate for classification through an automated scoring system. Utilizing variant allele frequency, disease prevalence and penetrance estimates, and inheritance mode, an automated score was calculated to assess if this variant is too frequent to cause the disease. Based on the score and internal cut-off values, a variant classified as benign is not then subjected to further curation. The score for this variant resulted in a classification of benign for this disease.

Illumina Laboratory Services, Illumina
Classification: Likely benign for Supravalvar aortic stenosis. Last evaluated: 2018-01-13. Review status: criteria provided, single submitter. Criteria: ICSL Variant Classification Criteria 13 December 2019. Collection method: clinical testing. Allele origin: germline.
Comment: This variant was observed in the ICSL laboratory as part of a predisposition screen in an ostensibly healthy population. It had not been previously curated by ICSL or reported in the Human Gene Mutation Database (HGMD: prior to June 1st, 2018), and was therefore a candidate for classification through an automated scoring system. Utilizing variant allele frequency, disease prevalence and penetrance estimates, and inheritance mode, an automated score was calculated to assess if this variant is too frequent to cause the disease. Based on the score and internal cut-off values, a variant classified as likely benign is not then subjected to further curation. The score for this variant resulted in a classification of likely benign for this disease.

PreventionGenetics, part of Exact Sciences
Classification: Likely benign for ELN-related condition. Last evaluated: 2023-12-11. Review status: no assertion criteria provided. Collection method: clinical testing. Allele origin: germline. Not counted in ClinVar's aggregate classification.
Comment: This variant is classified as likely benign based on ACMG/AMP sequence variant interpretation guidelines (Richards et al. 2015 PMID: 25741868, with internal and published modifications).

Dr. Peter K. Rogan Lab, Western University
No classification provided (evidence only). Condition: Familial cancer of breast. Review status: no classification provided. Collection method: in vitro. Allele origin: not applicable. Functional consequence: skipped exon. Not counted in ClinVar's aggregate classification.

NM_000501.4(ELN):c.1994-7T>G

Gene: ELN (elastin; plus strand). Cytogenetic location: 7q11.23.
Variant type: single nucleotide variant.
Coding change: c.1994-7T>G on transcript NM_000501.4 (MANE Select); 7 bases into the intron before coding-DNA position 1994, T replaced by G.
Molecular consequence: intron variant.
Genome position (GRCh38, 1-based): chr7:74,065,687, T>G. VCF-style: chr7-74065687-T-G. GRCh37 (hg19) VCF-style: chr7-73480017-T-G.
Other names: c.2009-7T>G (NM_001081754.3); c.1952-7T>G (NM_001081753.3); c.2180-7T>G (NM_001278939.2); c.2012-7T>G (NM_001278915.2); c.1994-7T>G (NM_001278912.2); c.1937-7T>G (NM_001081755.3); c.1850-7T>G (NM_001278916.2); c.1751-7T>G (NM_001278913.2); and 4 more.
Identifiers: ClinVar variation 696810 (VCV000696810.35), dbSNP rs375277198, ClinGen allele CA4293342.